The following is an entry in ClinVar:

NM_000059.4(BRCA2):c.329_330del (p.Pro110fs)

Gene: BRCA2 (BRCA2 DNA repair associated; plus strand). Cytogenetic location: 13q13.1.
Variant type: Deletion.
Coding change: c.329_330del on transcript NM_000059.4 (MANE Select); coding-DNA positions 329 to 330, 2 bases deleted (CC; older notation c.329_330delCC).
Protein change: p.Pro110fs; shifts the reading frame from proline 110.
Molecular consequence: frameshift variant. On other transcripts: 5 prime UTR variant (1), non-coding transcript variant (1).
Genome position (GRCh38, 1-based): chr13:32,325,088-32,325,089, CC deleted; deleting any 2 consecutive bases within chr13:32,325,087-32,325,089 gives the same sequence; the c. name uses the placement nearest the transcript's 3' end. VCF-style (leftmost placement, unchanged base first): chr13-32325086-TCC-T. GRCh37 (hg19) VCF-style: chr13-32899223-TCC-T.
Other names: c.329_330del, p.Pro110fs (NM_001406719.1, NM_001406720.1, NM_001406721.1 and 1 more transcripts); c.-41_-40del (NM_001406722.1); short protein forms P110fs.
Identifiers: ClinVar variation 4876069 (VCV004876069.1).

ClinVar aggregate classification (germline): Pathogenic (1 of 4 stars; one submission).

Conditions:
Breast-ovarian cancer, familial, susceptibility to, 2 (BROVCA2). Also called: BRCA2 Hereditary Breast and Ovarian Cancer. Identifiers: Orphanet 145, MedGen C2675520, MONDO:0012933, OMIM 612555. Disease mechanism: loss of function.

Submission:

Myriad Genetics, Inc.
Classification: Pathogenic for Breast-ovarian cancer, familial, susceptibility to, 2. Last evaluated: 2026-05-26. Review status: criteria provided, single submitter. Criteria: Myriad Autosomal Dominant, Autosomal Recessive and X-Linked Classification Criteria (2023). Collection method: clinical testing. Allele origin: unknown.
Comment: This variant is considered pathogenic. This variant creates a frameshift predicted to result in premature protein truncation.